The following is an entry in ClinVar:

NM_004369.4(COL6A3):c.5908C>T (p.Arg1970Cys)

Gene: COL6A3 (collagen type VI alpha 3 chain; minus strand). Cytogenetic location: 2q37.3.
Variant type: single nucleotide variant.
Coding change: c.5908C>T on transcript NM_004369.4 (MANE Select); coding-DNA position 5908, C replaced by T.
Protein change: p.Arg1970Cys; replaces arginine 1970 with cysteine.
Molecular consequence: missense variant.
Genome position (GRCh38, 1-based): chr2:237,364,359, G>A on the plus strand (C>T on the coding strand, the complement: COL6A3 is on the minus strand). VCF-style: chr2-237364359-G-A. GRCh37 (hg19) VCF-style: chr2-238273002-G-A.
Other names: c.4087C>T, p.Arg1363Cys (NM_057166.5); c.5290C>T, p.Arg1764Cys (NM_057167.4); short protein forms R1970C, R1764C, R1363C.
Identifiers: ClinVar variation 282291 (VCV000282291.16), dbSNP rs886042371, ClinGen allele CA10604136.

ClinVar aggregate classification (germline): Uncertain significance. Review status: criteria provided, multiple submitters, no conflicts (2 of 4 stars). 4 submissions from 4 submitters: Uncertain significance (4). Last evaluated 2026-02-03.

Conditions:
Bethlem myopathy 1A. Also called: MYOPATHY, BENIGN CONGENITAL, WITH CONTRACTURES; Bethlem myopathy 1; Bethlem Muscular Dystrophy. Identifiers: Orphanet 610, MedGen CN029274, MONDO:0024530, OMIM 158810.

Allele frequency attached by ClinVar (database versions not stated): TOPMed below 0.00001; gnomAD exomes below 0.00001.
gnomAD v4.1: 6 of 1,613,656 alleles (0.00037%); highest among the groups gnomAD compares: Non-Finnish European, 0.00051%; no homozygotes.

Submissions (4):

GeneDx
Classification: Uncertain significance. Last evaluated: 2026-02-03. Review status: criteria provided, single submitter. Criteria: GeneDx Variant Classification Process June 2021. Collection method: clinical testing. Allele origin: germline.
Comment: Not observed at significant frequency in large population cohorts (gnomAD); In silico analysis supports that this missense variant has a deleterious effect on protein structure/function; This variant is associated with the following publications: (PMID: 25535305)

Labcorp Genetics (formerly Invitae), Labcorp
Classification: Uncertain significance for Bethlem myopathy 1A. Last evaluated: 2025-03-07. Review status: criteria provided, single submitter. Criteria: Invitae Variant Classification Sherloc (09022015). Collection method: clinical testing. Allele origin: germline.
Comment: This sequence change replaces arginine, which is basic and polar, with cysteine, which is neutral and slightly polar, at codon 1970 of the COL6A3 protein (p.Arg1970Cys). This variant is not present in population databases (gnomAD no frequency). This missense change has been observed in individual(s) with autosomal dominant Bethlem myopathy (PMID: 25535305). ClinVar contains an entry for this variant (Variation ID: 282291). Invitae Evidence Modeling of protein sequence and biophysical properties (such as structural, functional, and spatial information, amino acid conservation, physicochemical variation, residue mobility, and thermodynamic stability) indicates that this missense variant is not expected to disrupt COL6A3 protein function with a negative predictive value of 80%. In summary, the available evidence is currently insufficient to determine the role of this variant in disease. Therefore, it has been classified as a Variant of Uncertain Significance.

3billion
Classification: Uncertain significance for Bethlem myopathy 1A. Last evaluated: 2022-03-22. Review status: criteria provided, single submitter. Criteria: ACMG Guidelines, 2015. Collection method: clinical testing. Allele origin: germline. Affected: yes. Observed: 1 homozygote.
Comment: Same nucleotide change resulting in same amino acid change has been previously reported to be associated with COL6A3 related disorder (PMID:25535305). It is not observed in the gnomAD v2.1.1 dataset. In silico tool predictions suggest damaging effect of the variant on gene or gene product (REVEL: 0.699>=0.6). Therefore, this variant is classified as uncertain significance according to the recommendation of ACMG/AMP guideline.

Eurofins Ntd Llc (ga)
Classification: Uncertain significance. Last evaluated: 2015-08-07. Review status: criteria provided, single submitter. Criteria: EGL Classification Definitions 2015. Collection method: clinical testing. Allele origin: germline. Observed: 1 variant allele, 1 heterozygote.

Literature cited by the submitters: PubMed 25535305 (cited by Labcorp Genetics (formerly Invitae), Labcorp and 3billion).